The following is an entry in ClinVar:

ClinVar aggregate classification (germline): Uncertain significance (1 of 4 stars; one submission).

Conditions:
Hereditary spastic paraplegia 8 (SPG8). Also called: SPASTIC PARAPLEGIA 8, AUTOSOMAL DOMINANT. Identifiers: Orphanet 100989, MedGen C1863704, MONDO:0011339, OMIM 603563.
Ritscher-Schinzel syndrome. Also called: CRANIOCEREBELLOCARDIAC DYSPLASIA. Identifiers: Orphanet 7, MedGen C0796137, MONDO:0019078.

Allele frequency attached by ClinVar (database versions not stated): gnomAD exomes below 0.00001; TOPMed below 0.00001.

Submission:

Labcorp Genetics (formerly Invitae), Labcorp
Classification: Uncertain significance for Ritscher-Schinzel syndrome; Hereditary spastic paraplegia 8. Last evaluated: 2024-10-07. Review status: criteria provided, single submitter. Criteria: Invitae Variant Classification Sherloc (09022015). Collection method: clinical testing. Allele origin: germline.
Comment: This sequence change replaces methionine, which is neutral and non-polar, with leucine, which is neutral and non-polar, at codon 954 of the WASHC5 protein (p.Met954Leu). This variant is not present in population databases (gnomAD no frequency). This variant has not been reported in the literature in individuals affected with WASHC5-related conditions. Invitae Evidence Modeling of protein sequence and biophysical properties (such as structural, functional, and spatial information, amino acid conservation, physicochemical variation, residue mobility, and thermodynamic stability) indicates that this missense variant is not expected to disrupt WASHC5 protein function with a negative predictive value of 80%. In summary, the available evidence is currently insufficient to determine the role of this variant in disease. Therefore, it has been classified as a Variant of Uncertain Significance.

NM_014846.4(WASHC5):c.2860A>T (p.Met954Leu)

Gene: WASHC5 (WASH complex subunit 5; minus strand). Cytogenetic location: 8q24.13.
Variant type: single nucleotide variant.
Coding change: c.2860A>T on transcript NM_014846.4 (MANE Select); coding-DNA position 2860, A replaced by T.
Protein change: p.Met954Leu; replaces methionine 954 with leucine.
Molecular consequence: missense variant.
Genome position (GRCh38, 1-based): chr8:125,039,889, T>A on the plus strand (A>T on the coding strand, the complement: WASHC5 is on the minus strand). VCF-style: chr8-125039889-T-A. GRCh37 (hg19) VCF-style: chr8-126052131-T-A.
Other names: c.2416A>T, p.Met806Leu (NM_001330609.2); short protein forms M954L, M806L.
Identifiers: ClinVar variation 2937401 (VCV002937401.3), dbSNP rs1322608173, ClinGen allele CA372185739.